The following is an entry in ClinVar:

ClinVar aggregate classification (germline): Uncertain significance (1 of 4 stars; one submission).

Submission:

GeneDx
Classification: Uncertain significance. Last evaluated: 2022-03-23. Review status: criteria provided, single submitter. Criteria: GeneDx Variant Classification Process June 2021. Collection method: clinical testing. Allele origin: germline. Affected: yes.
Comment: Not observed at significant frequency in large population cohorts (gnomAD); In silico analysis supports that this missense variant has a deleterious effect on protein structure/function; Has not been previously published as pathogenic or benign to our knowledge

NM_001394062.1(MACF1):c.4181C>A (p.Thr1394Lys)

Gene: MACF1 (microtubule actin crosslinking factor 1; plus strand). Cytogenetic location: 1p34.3.
Variant type: single nucleotide variant.
Coding change: c.4181C>A on transcript NM_001394062.1 (MANE Select); coding-DNA position 4181, C replaced by A.
Protein change: p.Thr1394Lys; replaces threonine 1394 with lysine.
Molecular consequence: missense variant.
Genome position (GRCh38, 1-based): chr1:39,322,953, C>A. VCF-style: chr1-39322953-C-A. GRCh37 (hg19) VCF-style: chr1-39788625-C-A.
Other names: c.4196C>A, p.Thr1399Lys (NM_012090.5); short protein forms T1394K, T1399K.
Identifiers: ClinVar variation 1707284 (VCV001707284.2), dbSNP rs2521896362, ClinGen allele CA339739070.